The following is an entry in ClinVar:

ClinVar aggregate classification (germline): Pathogenic. Review status: reviewed by expert panel (3 of 4 stars). 6 submissions from 6 submitters: Pathogenic (1). 5 of the submissions do not count toward it. Last evaluated 2024-12-03.

Conditions:
RASopathy. Also called: Noonan spectrum disorder; rasopathies. Identifiers: Orphanet 536391, MedGen C5555857, MONDO:0021060.
Costello syndrome (CSTLO). Also called: FCS SYNDROME; HRAS-Related Costello Syndrome; FACIOCUTANEOSKELETAL SYNDROME. Identifiers: Orphanet 3071, MedGen C0587248, MONDO:0009026, OMIM 218040.

Submissions (6):

ClinGen RASopathy Variant Curation Expert Panel
Classification: Pathogenic for RASopathy. Last evaluated: 2024-12-03. Review status: reviewed by expert panel. Criteria: ClinGen RASopathy ACMG Specifications HRAS V2.3.0. Collection method: curation. Allele origin: germline. Inheritance: Autosomal dominant inheritance.
Comment: The c.350A>G variant in the HRAS gene is a missense variant predicted to cause substitution of lysine by arginine at amino acid 117 (p.Lys117Arg). This variant is absent from gnomAD v2.1.1 (PM2_Supporting). The computational predictor REVEL gives a score of 0.916, which is above the threshold of 0.7, evidence that correlates with impact to HRAS function (PP3). At least 4 independent occurrences of this variant have been detected in patients with a RASopathy, of which 3 were reported as confirmed de novo cases while 1 was an unconfirmed de novo occurrence (PS2_VeryStrong, PS4_Moderate; PMID: 16443854, 17979197, 35595280, 32313153). In vitro functional assays showed that the variant increased RAS/MEK/ERK activation compared to wildtype (PS3_Moderate; PMID: 17979197, 21850009). In summary, this variant meets criteria to be classified as pathogenic for autosomal dominant RASopathies based on the ACMG/AMP criteria applied, as specified by the ClinGen RASopathy Variant Curation Expert Panel: PS2_VeryStrong, PS4_Moderate, PS3_Modertae, PM2_Supporting, PP3 (Specification Version 2.3, 12/3/2024)

3billion
Classification: Pathogenic for Costello syndrome. Last evaluated: 2025-12-14. Review status: criteria provided, single submitter. Criteria: ACMG Guidelines, 2015. Collection method: clinical testing. Allele origin: germline. Affected: yes. Not counted in ClinVar's aggregate classification.
Comment: The variant is not observed in the gnomAD v4.1.0 dataset. Predicted Consequence/Location: Missense variant. Missense changes are a common disease-causing mechanism. Functional studies provide strong evidence of the variant having a damaging effect on the gene or gene product (PMID: 17979197, 21850009). In silico tool predictions suggest damaging effect of the variant on gene or gene product [REVEL: 0.92 (>=0.6, sensitivity 0.68 and specificity 0.92)]. The same nucleotide change resulting in the same amino acid change has been previously reported as pathogenic/likely pathogenic with strong evidence (ClinVar ID: VCV000012605 /PMID: 16443854 /3billion dataset). The variant has been previously reported as assumed (i.e. paternity and maternity not confirmed) de novo in at least two similarly affected unrelated individuals (PMID: 16155195, 16443854). Therefore, this variant is classified as Pathogenic according to the recommendation of ACMG/AMP guideline.

GeneDx
Classification: Pathogenic. Last evaluated: 2022-04-08. Review status: criteria provided, single submitter. Criteria: GeneDx Variant Classification Process June 2021. Collection method: clinical testing. Allele origin: germline. Affected: yes. Not counted in ClinVar's aggregate classification.
Comment: Published functional studies demonstrate a damaging effect as this variant causes constitutive activation of the RAS/MAPK pathway and impairs GTP hydrolysis (Denayer et al., 2008; Wey et al., 2013); Not observed at significant frequency in large population cohorts (gnomAD); Missense variants in this gene are often considered pathogenic (HGMD); In silico analysis supports that this missense variant has a deleterious effect on protein structure/function; This variant is associated with the following publications: (PMID: 24224811, 21850009, 23093928, 16155195, 24803665, 16443854, 17979197, 32313153)

Laboratory for Molecular Medicine, Mass General Brigham Personalized Medicine
Classification: Pathogenic for Costello syndrome. Last evaluated: 2012-07-09. Review status: criteria provided, single submitter. Criteria: LMM Criteria. Collection method: clinical testing. Allele origin: germline. Inheritance: Autosomal dominant inheritance. Observed: 1 variant allele. Not counted in ClinVar's aggregate classification.
Comment: The Lys117Arg variant has been reported as a de novo variant in 2 individuals wi th clinical features of Costello syndrome (Kerr 2006, Denayer 2008). Functional analyses have shown this variant to activate HRAS (Denayer 2008), and is associa ted with a milder Costello phenotype (Niihori 2011). This variant has been annot ated as a pathogenic allele in the ClinVar database (dbSNP rs104894227) and is d iscussed in the Online Mendelian Inheritance in Man (MIM#190020.0006). In summar y, this variant meets our criteria for a pathogenic variant.

Kids Research, The Children's Hospital at Westmead
Classification: Pathogenic for Costello syndrome. Review status: criteria provided, single submitter. Criteria: ACMG Guidelines, 2015. Collection method: research. Allele origin: de novo. Inheritance: Autosomal dominant inheritance. Affected: yes. Not counted in ClinVar's aggregate classification.

OMIM
Classification: Pathogenic for COSTELLO SYNDROME. Last evaluated: 2008-02-01. Review status: no assertion criteria provided. Collection method: literature only. Allele origin: germline. Not counted in ClinVar's aggregate classification.

Literature cited by the submitters: PubMed 16443854 (cited by 3 submitters); PubMed 16155195 (cited by 3billion); PubMed 17979197 (cited by 3 submitters); PubMed 21850009 (cited by 3billion and Laboratory for Molecular Medicine, Mass General Brigham Personalized Medicine); PubMed 32313153 (cited by Kids Research, The Children's Hospital at Westmead).

NM_005343.4(HRAS):c.350A>G (p.Lys117Arg)

Genes: HRAS (HRas proto-oncogene, GTPase; minus strand), LRRC56 (leucine rich repeat containing 56; plus strand). Cytogenetic location: 11p15.5.
Variant type: single nucleotide variant.
Coding change: c.350A>G on transcript NM_005343.4 (MANE Select); coding-DNA position 350, A replaced by G.
Protein change: p.Lys117Arg; replaces lysine 117 with arginine.
Molecular consequence: missense variant.
Genome position (GRCh38, 1-based): chr11:533,553, T>C on the plus strand (A>G on the coding strand, the complement: HRAS is on the minus strand). VCF-style: chr11-533553-T-C. GRCh37 (hg19) VCF-style: chr11-533553-T-C.
Other names: NM_005343.3(HRAS):c.350A>G; NM_005343.4(HRAS):c.350A>G; c.350A>G, p.Lys117Arg (NM_001130442.3, NM_176795.5); c.31A>G, p.Ser11Gly (NM_001318054.2); short protein forms K117R, S11G.
Identifiers: ClinVar variation 12605 (VCV000012605.10), dbSNP rs104894227, ClinGen allele CA256490.